The following is an entry in ClinVar:

NM_001372044.2(SHANK3):c.474G>T (p.Thr158=)

Gene: SHANK3 (SH3 and multiple ankyrin repeat domains 3; plus strand). Cytogenetic location: 22q13.33.
Variant type: single nucleotide variant.
Coding change: c.474G>T on transcript NM_001372044.2 (MANE Select); coding-DNA position 474, G replaced by T.
Protein change: p.Thr158=; no amino-acid change (threonine 158 retained).
Molecular consequence: synonymous variant.
Genome position (GRCh38, 1-based): chr22:50,675,233, G>T. VCF-style: chr22-50675233-G-T. GRCh37 (hg19) VCF-style: chr22-51113661-G-T.
Other names: c.249G>T, p.Thr83= (NM_033517.1).
Identifiers: ClinVar variation 587772 (VCV000587772.43), dbSNP rs530240325, ClinGen allele CA10325155.
Genomic context (GRCh38, chr22:50,675,233, plus strand): 5'-CGCCGGCAAGTTCCTGGATGAGGAGCGGCTCCTGCAGGAGTACCCGCCCAACCTGGACAC[G>T]CCCCTGCCCTACCTGGAGGTAAGTGGCCGGCGCGGGGGTGAGCTGAGGAGCGCGCAGGGT-3'
Protein context (NP_001358973.1, residues 148-168): LLQEYPPNLD[Thr158=]PLPYLEFRYK

ClinVar aggregate classification (germline): Benign/Likely benign. Review status: criteria provided, multiple submitters, no conflicts (2 of 4 stars). 6 submissions from 6 submitters: Benign (1); Likely benign (4). 1 of the submissions does not count toward it. Last evaluated 2026-08-01.

Conditions:
Inborn genetic diseases. Identifiers: MedGen C0950123, MeSH D030342.
SHANK3-related disorder. Also called: SHANK3-related condition.

Allele frequency attached by ClinVar (database versions not stated): 1000 Genomes Project 0.00040; 1000 Genomes Project 30x 0.00094; gnomAD 0.00137; TOPMed 0.00154; gnomAD exomes 0.00275; ExAC 0.00500.

Submissions (6):

CeGaT Center for Human Genetics Tuebingen
Classification: Likely benign. Last evaluated: 2026-08-01. Review status: criteria provided, single submitter. Criteria: CeGaT Center For Human Genetics Tuebingen Variant Classification Criteria Version 2. Collection method: clinical testing. Allele origin: germline. Affected: yes. Observed: 31 variant alleles.
Comment: SHANK3: BP4, BP7, BS1

Blueprint Genetics
Classification: Likely benign. Last evaluated: 2024-11-28. Review status: criteria provided, single submitter. Criteria: ACMG Guidelines, 2015. Collection method: clinical testing. Allele origin: germline.

GeneDx
Classification: Benign. Last evaluated: 2019-01-07. Review status: criteria provided, single submitter. Criteria: GeneDx Variant Classification Process June 2021. Collection method: clinical testing. Allele origin: germline. Affected: yes.

Ambry Genetics
Classification: Likely benign for Inborn genetic diseases. Last evaluated: 2016-09-07. Review status: criteria provided, single submitter. Criteria: Ambry Variant Classification Scheme 2023. Collection method: clinical testing. Allele origin: germline.

Breakthrough Genomics
Classification: Likely benign. Review status: criteria provided, single submitter. Criteria: ACMG Guidelines, 2015. Collection method: not provided. Allele origin: germline. Inheritance: Autosomal dominant inheritance. Affected: yes.

PreventionGenetics, part of Exact Sciences
Classification: Benign for SHANK3-related condition. Last evaluated: 2019-10-31. Review status: no assertion criteria provided. Collection method: clinical testing. Allele origin: germline. Not counted in ClinVar's aggregate classification.
Comment: This variant is classified as benign based on ACMG/AMP sequence variant interpretation guidelines (Richards et al. 2015 PMID: 25741868, with internal and published modifications).